The following is an entry in ClinVar:

ClinVar aggregate classification (germline): Benign/Likely benign. Review status: criteria provided, multiple submitters, no conflicts (2 of 4 stars). 3 submissions from 3 submitters: Benign (1); Likely benign (2). Last evaluated 2026-01-28.

Conditions:
Developmental and epileptic encephalopathy, 53. Also called: Epileptic encephalopathy, early infantile, 53. Identifiers: MedGen C4479313, MONDO:0033362, OMIM 617389.
Early-onset Parkinson disease 20. Also called: PARKINSON DISEASE 20, AUTOSOMAL RECESSIVE EARLY-ONSET. Identifiers: Orphanet 391411, MedGen C3809824, MONDO:0014233, OMIM 615530.

Allele frequency attached by ClinVar (database versions not stated): TOPMed 0.00067; gnomAD 0.00068; ESP Exome Variant Server 0.00092; 1000 Genomes Project 0.00180; 1000 Genomes Project 30x 0.00187.
gnomAD v4.1: 222 of 1,614,180 alleles (0.014%); highest among the groups gnomAD compares: African/African-American, 0.25%; no homozygotes.

Submissions (3):

Labcorp Genetics (formerly Invitae), Labcorp
Classification: Benign for Developmental and epileptic encephalopathy, 53; Early-onset Parkinson disease 20. Last evaluated: 2026-01-28. Review status: criteria provided, single submitter. Criteria: Invitae Variant Classification Sherloc (09022015). Collection method: clinical testing. Allele origin: germline.

Blueprint Genetics
Classification: Likely benign. Last evaluated: 2024-06-05. Review status: criteria provided, single submitter. Criteria: ACMG Guidelines, 2015. Collection method: clinical testing. Allele origin: germline.

CeGaT Center for Human Genetics Tuebingen
Classification: Likely benign. Last evaluated: 2022-03-01. Review status: criteria provided, single submitter. Criteria: CeGaT Center For Human Genetics Tuebingen Variant Classification Criteria Version 2. Collection method: clinical testing. Allele origin: germline. Affected: yes. Observed: 1 variant allele.
Comment: SYNJ1: BP4, BP7

NM_203446.3(SYNJ1):c.*732C>T

Gene: SYNJ1 (synaptojanin 1; minus strand). Cytogenetic location: 21q22.11.
Variant type: single nucleotide variant.
Coding change: c.*732C>T on transcript NM_203446.3 (MANE Select); 732 bases downstream of the stop codon, C replaced by T.
Molecular consequence: 3 prime UTR variant. On other transcripts: synonymous variant (2).
Genome position (GRCh38, 1-based): chr21:32,631,073, G>A on the plus strand (C>T on the coding strand, the complement: SYNJ1 is on the minus strand). VCF-style: chr21-32631073-G-A. GRCh37 (hg19) VCF-style: chr21-34003383-G-A.
Other names: c.*732C>T (NM_001160302.2); c.4503C>T, p.Pro1501= (NM_001160306.2); c.4761C>T, p.Pro1587= (NM_003895.4).
Identifiers: ClinVar variation 783108 (VCV000783108.36), dbSNP rs148676465, ClinGen allele CA10003053.